The following is an entry in ClinVar:

ClinVar aggregate classification (germline): Uncertain significance. Review status: criteria provided, single submitter (1 of 4 stars). 2 submissions from 2 submitters: Uncertain significance (1). 1 of the submissions does not count toward it. Last evaluated 2019-07-12.

Conditions:
MELAS syndrome (MELAS). Also called: Juvenile myopathy, encephalopathy, lactic acidosis, stroke. Identifiers: Orphanet 550, MedGen C0162671, MONDO:0010789, OMIM 540000.
MT-TH-related condition.

Submissions (2):

Wong Mito Lab, Molecular and Human Genetics, Baylor College of Medicine
Classification: Uncertain significance for MELAS syndrome. Last evaluated: 2019-07-12. Review status: criteria provided, single submitter. Criteria: Modified ACMG Guidelines (Unpublished). Collection method: clinical testing. Allele origin: germline.
Comment: The NC_012920.1:m.12185G>A variant in MT-TH gene is interpreted to be a Unknown Significance variant based on the modified ACMG guidelines (unpublished). This variant meets the following evidence codes reported in the guidelines: PP7

Undiagnosed Diseases Network, NIH
Classification: Likely pathogenic for MT-TH-related condition. Last evaluated: 2024-04-03. Review status: no assertion criteria provided. Collection method: clinical testing. Allele origin: maternal. Affected: yes. Observed: 1 variant allele, 1 heterozygote. Study: Undiagnosed Diseases Network (NIH), UDN. Not counted in ClinVar's aggregate classification.

Literature cited by the submitters: PubMed 31965079 (cited by Wong Mito Lab, Molecular and Human Genetics, Baylor College of Medicine).

NC_012920.1(MT-TH):m.12185G>A

Gene: MT-TH (mitochondrially encoded tRNA histidine; plus strand).
Variant type: single nucleotide variant.
Genome position: chrM-12185-G-A.
Identifiers: ClinVar variation 690149 (VCV000690149.3), dbSNP rs1603223607, ClinGen allele CA913169621.